The following is an entry in ClinVar:

ClinVar aggregate classification (germline): Benign. Review status: criteria provided, single submitter (1 of 4 stars). 2 submissions from 2 submitters: Benign (1). 1 of the submissions does not count toward it. Last evaluated 2025-11-18.

Conditions:
DZIP1L-related disorder. Also called: DZIP1L-related condition.

Allele frequency attached by ClinVar (database versions not stated): 1000 Genomes Project 30x 0.00094; 1000 Genomes Project 0.00120.

Submissions (2):

Labcorp Genetics (formerly Invitae), Labcorp
Classification: Benign. Last evaluated: 2025-11-18. Review status: criteria provided, single submitter. Criteria: Invitae Variant Classification Sherloc (09022015). Collection method: clinical testing. Allele origin: germline.

PreventionGenetics, part of Exact Sciences
Classification: Likely benign for DZIP1L-related condition. Last evaluated: 2023-06-12. Review status: no assertion criteria provided. Collection method: clinical testing. Allele origin: germline. Not counted in ClinVar's aggregate classification.
Comment: This variant is classified as likely benign based on ACMG/AMP sequence variant interpretation guidelines (Richards et al. 2015 PMID: 25741868, with internal and published modifications).

NM_173543.3(DZIP1L):c.1770C>A (p.Pro590=)

Gene: DZIP1L (DAZ interacting zinc finger protein 1 like; minus strand). Cytogenetic location: 3q22.3.
Variant type: single nucleotide variant.
Coding change: c.1770C>A on transcript NM_173543.3 (MANE Select); coding-DNA position 1770, C replaced by A.
Protein change: p.Pro590=; no amino-acid change (proline 590 retained).
Molecular consequence: synonymous variant.
Genome position (GRCh38, 1-based): chr3:138,068,213, G>T on the plus strand (C>A on the coding strand, the complement: DZIP1L is on the minus strand). VCF-style: chr3-138068213-G-T. GRCh37 (hg19) VCF-style: chr3-137787055-G-T.
Identifiers: ClinVar variation 711901 (VCV000711901.11), dbSNP rs6776890, ClinGen allele CA2634810.
Genomic context (GRCh38, chr3:138,068,213, plus strand): 5'-CATCCCGGGCCCCGAGGAAGGAGGGGTGCTGGAGGGTCCATGCAGTCCGGGGCGTGGAGC[G>T]GGGGCGGACACCTGGGTCAGGCTGGAGCCATGGCTGCCATGGCTCTGACGAGTTGGTGGG-3'
Protein context (NP_775814.2, residues 580-600): HGSSLTQVSA[Pro590=]APRPGLHGPS